The following is an entry in ClinVar:

NM_153700.2(STRC):c.1469T>C (p.Leu490Pro)

Gene: STRC (stereocilin; minus strand). Cytogenetic location: 15q15.3.
Variant type: single nucleotide variant.
Coding change: c.1469T>C on transcript NM_153700.2 (MANE Select); coding-DNA position 1469, T replaced by C.
Protein change: p.Leu490Pro; replaces leucine 490 with proline.
Molecular consequence: missense variant.
Genome position (GRCh38, 1-based): chr15:43,616,097, A>G on the plus strand (T>C on the coding strand, the complement: STRC is on the minus strand). VCF-style: chr15-43616097-A-G. GRCh37 (hg19) VCF-style: chr15-43908295-A-G.
Other names: short protein forms L490P.
Identifiers: ClinVar variation 2445652 (VCV002445652.2), dbSNP rs2507595819, ClinGen allele CA392182532.

ClinVar aggregate classification (germline): Conflicting classifications of pathogenicity. Review status: criteria provided, conflicting classifications (1 of 4 stars). 2 submissions from 2 submitters: Likely pathogenic (1); Uncertain significance (1). Last evaluated 2026-07-27.

Conditions:
Autosomal recessive nonsyndromic hearing loss 16. Also called: DFNB16 Nonsyndromic Hearing Loss and Deafness; DEAFNESS, AUTOSOMAL RECESSIVE 16. Identifiers: Orphanet 90636, MedGen C1863561, MONDO:0011364, OMIM 603720.
STRC-related disorder. Also called: STRC-related condition.

Submissions (2):

PreventionGenetics, part of Exact Sciences
Classification: Uncertain significance for STRC-related condition. Last evaluated: 2026-07-27. Review status: criteria provided, single submitter. Criteria: ACMG Guidelines, 2015. Collection method: clinical testing. Allele origin: germline.
Comment: The STRC c.1469T>C variant is predicted to result in the amino acid substitution p.Leu490Pro. This variant was reported in an individual with hearing loss (eTable 7, Carlson et al. 2023. PubMed ID: 36633841) and was described in ClinVar by the same research group as having occurred in likely the same patient in the compound heterozygous state to a nonsense variant. This variant has not been reported in a large population database (gnomAD), indicating this variant is rare. While we suspect this variant may be pathogenic, at this time, the clinical significance of this variant is uncertain due to the absence of conclusive functional and genetic evidence.

King Laboratory, University of Washington
Classification: Likely pathogenic for Autosomal recessive nonsyndromic hearing loss 16. Last evaluated: 2023-02-28. Review status: criteria provided, single submitter. Criteria: Li et al. (Genet Med. 2022). Collection method: research. Allele origin: unknown. Affected: yes.
Comment: This variant occurred in compound heterozygosity with an STRC nonsense variant in a patient with bilateral sensorineural hearing loss of onset <18 years, in a study of pediatric hearing loss conducted by the King Laboratory (Carlson RJ et al. JAMA-OtoHNS 2023). This patient’s family has no other history of hearing loss. This variant is a missense at a highly conserved site and is predicted to be damaging by multiple in-silico tools. As of January 2023, this variant has not been reported to ClinVar and is not found on gnomAD. Based on consistently predicted functional effect, compound heterozygosity with a loss-of-function variant, and goodness of fit of genotype to phenotype, we conclude that this variant is likely pathogenic.

Literature cited by the submitters: PubMed 36633841 (cited by King Laboratory, University of Washington).